The following is an entry in ClinVar:

NM_025114.4(CEP290):c.2427C>G (p.Asn809Lys)

Gene: CEP290 (centrosomal protein 290; minus strand). Cytogenetic location: 12q21.32.
Variant type: single nucleotide variant.
Coding change: c.2427C>G on transcript NM_025114.4 (MANE Select); coding-DNA position 2427, C replaced by G.
Protein change: p.Asn809Lys; replaces asparagine 809 with lysine.
Molecular consequence: missense variant.
Genome position (GRCh38, 1-based): chr12:88,109,122, G>C on the plus strand (C>G on the coding strand, the complement: CEP290 is on the minus strand). VCF-style: chr12-88109122-G-C. GRCh37 (hg19) VCF-style: chr12-88502899-G-C.
Other names: short protein forms N809K.
Identifiers: ClinVar variation 1961309 (VCV001961309.4), dbSNP rs368436564, ClinGen allele CA6712332.

ClinVar aggregate classification (germline): Uncertain significance. Review status: criteria provided, single submitter (1 of 4 stars). 2 submissions from 2 submitters: Uncertain significance (1). 1 of the submissions does not count toward it. Last evaluated 2022-08-19.

Conditions:
Joubert syndrome. Also called: CEREBELLOPARENCHYMAL DISORDER IV; JOUBERT-BOLTSHAUSER SYNDROME; Familial aplasia of the vermis. Identifiers: Orphanet 475, MedGen C5979921, MONDO:0018772.
Meckel-Gruber syndrome. Also called: DYSENCEPHALIA SPLANCHNOCYSTICA; GRUBER SYNDROME; Dysencephalia splachnocystica. Identifiers: Orphanet 564, MedGen C0265215, MONDO:0018921.
Nephronophthisis. Also called: Juvenile Nephronophthisis. Identifiers: Orphanet 655, MedGen C0687120, MONDO:0019005, HP:0000090.

Allele frequency attached by ClinVar (database versions not stated): gnomAD exomes below 0.00001; TOPMed below 0.00001; gnomAD 0.00001; ExAC 0.00004; ESP Exome Variant Server 0.00009.
gnomAD v4.1: 3 of 1,469,414 alleles (0.0002%); highest among the groups gnomAD compares: South Asian, 0.0014%; no homozygotes.

Submissions (2):

Labcorp Genetics (formerly Invitae), Labcorp
Classification: Uncertain significance for Joubert syndrome; Meckel-Gruber syndrome; Nephronophthisis. Last evaluated: 2022-08-19. Review status: criteria provided, single submitter. Criteria: Invitae Variant Classification Sherloc (09022015). Collection method: clinical testing. Allele origin: germline.
Comment: This sequence change replaces asparagine, which is neutral and polar, with lysine, which is basic and polar, at codon 809 of the CEP290 protein (p.Asn809Lys). This variant is present in population databases (rs368436564, gnomAD 0.01%). This variant has not been reported in the literature in individuals affected with CEP290-related conditions. Algorithms developed to predict the effect of missense changes on protein structure and function (SIFT, PolyPhen-2, Align-GVGD) all suggest that this variant is likely to be tolerated. In summary, the available evidence is currently insufficient to determine the role of this variant in disease. Therefore, it has been classified as a Variant of Uncertain Significance.

Genetic Services Laboratory, University of Chicago
Classification: Uncertain significance. Last evaluated: 2022-05-06. Review status: no assertion criteria provided. Collection method: clinical testing. Allele origin: germline. Affected: no. Not counted in ClinVar's aggregate classification.
Comment: DNA sequence analysis of the CEP290 gene demonstrated a sequence change, c.2427C>G, in exon 23 that results in an amino acid change, p.Asn809Lys. This sequence change has been described in the gnomAD database in three individuals which corresponds to a population frequency of 0.0018% (dbSNP rs368436564). The p.Asn809Lys change affects a moderately conserved amino acid residue located in a domain of the CEP290 protein that is not known to be functional. The p.Asn809Lys substitution appears to be benign using several in-silico pathogenicity prediction tools (SIFT, PolyPhen2, Align GVGD, REVEL). This sequence change does not appear to have been previously described in individuals with CEP290-related disorders. Due to insufficient evidences and the lack of functional studies, the clinical significance of the p.Asn809Lys change remains unknown at this time.